The following is an entry in ClinVar:

NM_005862.3(STAG1):c.3677C>T (p.Pro1226Leu)

Gene: STAG1 (STAG1 cohesin complex component; minus strand). Cytogenetic location: 3q22.3.
Variant type: single nucleotide variant.
Coding change: c.3677C>T on transcript NM_005862.3 (MANE Select); coding-DNA position 3677, C replaced by T.
Protein change: p.Pro1226Leu; replaces proline 1226 with leucine.
Molecular consequence: missense variant.
Genome position (GRCh38, 1-based): chr3:136,338,446, G>A on the plus strand (C>T on the coding strand, the complement: STAG1 is on the minus strand). VCF-style: chr3-136338446-G-A. GRCh37 (hg19) VCF-style: chr3-136057288-G-A.
Other names: short protein forms P1226L.
Identifiers: ClinVar variation 4532313 (VCV004532313.1).

ClinVar aggregate classification (germline): Uncertain significance (1 of 4 stars; one submission).

Submission:

GeneDx
Classification: Uncertain significance. Last evaluated: 2025-06-01. Review status: criteria provided, single submitter. Criteria: GeneDx Variant Classification Process June 2021. Collection method: clinical testing. Allele origin: germline. Affected: yes.
Comment: Not observed at significant frequency in large population cohorts (gnomAD); In silico analysis supports that this missense variant has a deleterious effect on protein structure/function; Has not been previously published as pathogenic or benign to our knowledge